The following is an entry in ClinVar:

NM_015896.4(ZMYND10):c.668dup (p.Glu224fs)

Gene: ZMYND10 (zinc finger MYND-type containing 10; minus strand). Cytogenetic location: 3p21.31.
Variant type: Duplication.
Coding change: c.668dup on transcript NM_015896.4 (MANE Select); coding-DNA position 668, one base duplicated (T; older notation c.668dupT).
Protein change: p.Glu224fs; shifts the reading frame from glutamic acid 224.
Molecular consequence: frameshift variant. On other transcripts: intron variant (1).
Genome position (GRCh38, 1-based): chr3:50,342,950, A duplicated on the plus strand (T on the coding strand, the reverse complement: ZMYND10 is on the minus strand). VCF-style (leftmost placement, unchanged base first): chr3-50342949-C-CA. GRCh37 (hg19) VCF-style: chr3-50380380-C-CA.
Other names: c.599+168dup (NM_001308379.2); short protein forms E224fs.
Identifiers: ClinVar variation 2631568 (VCV002631568.1), dbSNP rs1195050131, ClinGen allele CA543053891.
Genomic context (GRCh38, chr3:50,342,949, plus strand): 5'-GGGCTTAGGCTGGTGGGGGAGGACCCTACCTCCTTCCCGCCGGCTCCAGGGACTATGCTC[C>CA]AGCAGTTCCACCAGGAGGCAGGGCAGGTTGTGTGTGCTAAGCATACGGCTCAAGGTGCTG-3'

ClinVar aggregate classification (germline): Likely pathogenic (1 of 4 stars; one submission).

Conditions:
ZMYND10-related disorder. Also called: ZMYND10-related condition.

Allele frequency attached by ClinVar (database versions not stated): gnomAD exomes below 0.00001; gnomAD 0.00003; TOPMed 0.00003.

Submission:

PreventionGenetics, part of Exact Sciences
Classification: Likely pathogenic for ZMYND10-related condition. Last evaluated: 2023-10-05. Review status: criteria provided, single submitter. Criteria: ACMG Guidelines, 2015. Collection method: clinical testing. Allele origin: germline.
Comment: The ZMYND10 c.668dupT variant is predicted to result in a frameshift and premature protein termination (p.Glu224Glyfs*3). To our knowledge, this variant has not been reported in the literature. This variant is reported in 0.023% of alleles in individuals of African descent in gnomAD. Frameshift variants in ZMYND10 are expected to be pathogenic. This variant is interpreted as likely pathogenic.